The following is an entry in ClinVar:

NM_001184.4(ATR):c.1534A>G (p.Met512Val)

Gene: ATR (ATR checkpoint kinase; minus strand). Cytogenetic location: 3q23.
Variant type: single nucleotide variant.
Coding change: c.1534A>G on transcript NM_001184.4 (MANE Select); coding-DNA position 1534, A replaced by G.
Protein change: p.Met512Val; replaces methionine 512 with valine.
Molecular consequence: missense variant. On other transcripts: intron variant (1).
Genome position (GRCh38, 1-based): chr3:142,560,270, T>C on the plus strand (A>G on the coding strand, the complement: ATR is on the minus strand). VCF-style: chr3-142560270-T-C. GRCh37 (hg19) VCF-style: chr3-142279112-T-C.
Other names: c.1350-829A>G (NM_001354579.2); short protein forms M512V.
Identifiers: ClinVar variation 1774688 (VCV001774688.5), dbSNP rs779645543, ClinGen allele CA354822549.
Genomic context (GRCh38, chr3:142,560,270, plus strand): 5'-ATCCAAGTTCATTACAGGAAACCCAACCCCAAGAAACAAGAAGTTTGTTTTACCAGTTCA[T>C]GTTTTGATGAGAACAATGAACAGTACACAGAGCAGTCAGTTGTAAGACAACAGCAATTCC-3'
Protein context (NP_001175.2, residues 502-522): LCTVHCSHQN[Met512Val]NCRTFKDCQH

ClinVar aggregate classification (germline): Uncertain significance. Review status: criteria provided, multiple submitters, no conflicts (2 of 4 stars). 2 submissions from 2 submitters: Uncertain significance (2). Last evaluated 2024-03-11.

Conditions:
Inborn genetic diseases. Identifiers: MedGen C0950123, MeSH D030342.

gnomAD v4.1: 3 of 1,613,756 alleles (0.00019%); highest among the groups gnomAD compares: African/African-American, 0.0027%; no homozygotes.

Submissions (2):

Labcorp Genetics (formerly Invitae), Labcorp
Classification: Uncertain significance. Last evaluated: 2024-03-11. Review status: criteria provided, single submitter. Criteria: Invitae Variant Classification Sherloc (09022015). Collection method: clinical testing. Allele origin: germline.
Comment: This sequence change replaces methionine, which is neutral and non-polar, with valine, which is neutral and non-polar, at codon 512 of the ATR protein (p.Met512Val). This variant is not present in population databases (gnomAD no frequency). This variant has not been reported in the literature in individuals affected with ATR-related conditions. ClinVar contains an entry for this variant (Variation ID: 1774688). Algorithms developed to predict the effect of missense changes on protein structure and function output the following: SIFT: "Not Available"; PolyPhen-2: "Benign"; Align-GVGD: "Not Available". The valine amino acid residue is found in multiple mammalian species, which suggests that this missense change does not adversely affect protein function. In summary, the available evidence is currently insufficient to determine the role of this variant in disease. Therefore, it has been classified as a Variant of Uncertain Significance.

Ambry Genetics
Classification: Uncertain significance for Inborn genetic diseases. Last evaluated: 2023-08-28. Review status: criteria provided, single submitter. Criteria: Ambry Variant Classification Scheme 2023. Collection method: clinical testing. Allele origin: germline.
Comment: The p.M512V variant (also known as c.1534A>G), located in coding exon 6 of the ATR gene, results from an A to G substitution at nucleotide position 1534. The methionine at codon 512 is replaced by valine, an amino acid with highly similar properties. This amino acid position is conserved. In addition, this alteration is predicted to be tolerated by in silico analysis. Since supporting evidence is limited at this time, the clinical significance of this alteration remains unclear.